The following is an entry in ClinVar:

NM_022051.3(EGLN1):c.722T>C (p.Val241Ala)

Gene: EGLN1 (egl-9 family hypoxia inducible factor 1; minus strand). Cytogenetic location: 1q42.2.
Variant type: single nucleotide variant.
Coding change: c.722T>C on transcript NM_022051.3 (MANE Select); coding-DNA position 722, T replaced by C.
Protein change: p.Val241Ala; replaces valine 241 with alanine.
Molecular consequence: missense variant.
Genome position (GRCh38, 1-based): chr1:231,421,167, A>G on the plus strand (T>C on the coding strand, the complement: EGLN1 is on the minus strand). VCF-style: chr1-231421167-A-G. GRCh37 (hg19) VCF-style: chr1-231556913-A-G.
Other names: c.722T>C, p.Val241Ala (NM_001377260.1, NM_001377261.1); short protein forms V241A.
Identifiers: ClinVar variation 3274762 (VCV003274762.1).
Genomic context (GRCh38, chr1:231,421,167, plus strand): 5'-CCCTCGATCCAGGTGATCTTATCGCCTCGGATGTCCTTGGACGAGTCACTCTTCTGGCTG[A>G]CCAGCTGCCCGTCCGTGAACTTCCCGGTGTCGTGCAGGGCGCGCACCTCGTCGCCGATCT-3'
Protein context (NP_071334.1, residues 231-251): DTGKFTDGQL[Val241Ala]SQKSDSSKDI

ClinVar aggregate classification (germline): Uncertain significance (1 of 4 stars; one submission).

Submission:

Ambry Genetics
Classification: Uncertain significance. Last evaluated: 2024-04-10. Review status: criteria provided, single submitter. Criteria: Ambry Variant Classification Scheme 2023. Collection method: clinical testing. Allele origin: germline.
Comment: The p.V241A variant (also known as c.722T>C), located in coding exon 1 of the EGLN1 gene, results from a T to C substitution at nucleotide position 722. The valine at codon 241 is replaced by alanine, an amino acid with similar properties. This amino acid position is conserved. In addition, this alteration is predicted to be tolerated by in silico analysis. Based on the available evidence, the clinical significance of this variant remains unclear.